The following is an entry in ClinVar:

NM_000719.7(CACNA1C):c.5181G>A (p.Pro1727=)

Genes: CACNA1C (calcium voltage-gated channel subunit alpha1 C; plus strand), CACNA1C-AS1 (CACNA1C antisense RNA 1; minus strand). Cytogenetic location: 12p13.33.
Variant type: single nucleotide variant.
Coding change: c.5181G>A on transcript NM_000719.7 (MANE Select); coding-DNA position 5181, G replaced by A.
Protein change: p.Pro1727=; no amino-acid change (proline 1727 retained).
Molecular consequence: synonymous variant.
Genome position (GRCh38, 1-based): chr12:2,679,533, G>A. VCF-style: chr12-2679533-G-A. GRCh37 (hg19) VCF-style: chr12-2788699-G-A.
Other names: c.5325G>A, p.Pro1775= (NM_001129827.2, NM_199460.4); c.5304G>A, p.Pro1768= (NM_001129829.2); c.5181G>A, p.Pro1727= (NM_001129830.3, NM_001129840.2, NM_001129841.2 and 4 more transcripts); c.5265G>A, p.Pro1755= (NM_001129831.2); c.5241G>A, p.Pro1747= (NM_001129832.2); c.5238G>A, p.Pro1746= (NM_001129833.2, NM_001129834.2, NM_001129835.2); c.5232G>A, p.Pro1744= (NM_001129836.2); c.5205G>A, p.Pro1735= (NM_001129837.2, NM_001129838.2); and 3 more.
Identifiers: ClinVar variation 515242 (VCV000515242.11), dbSNP rs370149297, ClinGen allele CA6389727.

ClinVar aggregate classification (germline): Likely benign. Review status: criteria provided, multiple submitters, no conflicts (2 of 4 stars). 3 submissions from 3 submitters: Likely benign (3). Last evaluated 2023-09-17.

Conditions:
Long QT syndrome (LQTS). Identifiers: MedGen C0023976, MeSH D008133, MONDO:0002442. Disease mechanism: loss of function. Inheritance: Various modes of inheritance.
Cardiovascular phenotype. Identifiers: MedGen CN230736.

Allele frequency attached by ClinVar (database versions not stated): ExAC 0.00007; gnomAD exomes 0.00004 and 0.00001; 1000 Genomes Project 0.00020; gnomAD 0.00001; TOPMed 0.00001; ESP Exome Variant Server 0.00008; 1000 Genomes Project 30x 0.00016.
gnomAD v4.1: 20 of 1,612,976 alleles (0.0012%); highest among the groups gnomAD compares: South Asian, 0.0033%; no homozygotes.

Submissions (3):

Labcorp Genetics (formerly Invitae), Labcorp
Classification: Likely benign for Long QT syndrome. Last evaluated: 2023-09-17. Review status: criteria provided, single submitter. Criteria: Invitae Variant Classification Sherloc (09022015). Collection method: clinical testing. Allele origin: germline.

Ambry Genetics
Classification: Likely benign for Cardiovascular phenotype. Last evaluated: 2022-04-19. Review status: criteria provided, single submitter. Criteria: Ambry Variant Classification Scheme 2023. Collection method: clinical testing. Allele origin: germline.

GeneDx
Classification: Likely benign. Last evaluated: 2018-02-06. Review status: criteria provided, single submitter. Criteria: GeneDx Variant Classification (06012015). Collection method: clinical testing. Allele origin: germline. Affected: yes.
Comment: This variant is considered likely benign or benign based on one or more of the following criteria: it is a conservative change, it occurs at a poorly conserved position in the protein, it is predicted to be benign by multiple in silico algorithms, and/or has population frequency not consistent with disease.